The following is an entry in ClinVar:

ClinVar aggregate classification (germline): Uncertain significance. Review status: criteria provided, multiple submitters, no conflicts (2 of 4 stars). 3 submissions from 3 submitters: Uncertain significance (3). Last evaluated 2025-05-17.

Conditions:
Inborn genetic diseases. Identifiers: MedGen C0950123, MeSH D030342.

Allele frequency attached by ClinVar (database versions not stated): TOPMed 0.00008; gnomAD 0.00009; ESP Exome Variant Server 0.00031.
gnomAD v4.1: 175 of 1,612,438 alleles (0.011%); highest among the groups gnomAD compares: Non-Finnish European, 0.012%; no homozygotes.

Submissions (3):

Ambry Genetics
Classification: Uncertain significance for Inborn genetic diseases. Last evaluated: 2025-05-17. Review status: criteria provided, single submitter. Criteria: Ambry Variant Classification Scheme 2023. Collection method: clinical testing. Allele origin: germline.

Blueprint Genetics
Classification: Uncertain significance. Last evaluated: 2024-09-14. Review status: criteria provided, single submitter. Criteria: ACMG Guidelines, 2015. Collection method: clinical testing. Allele origin: germline.

Labcorp Genetics (formerly Invitae), Labcorp
Classification: Uncertain significance. Last evaluated: 2022-03-19. Review status: criteria provided, single submitter. Criteria: Invitae Variant Classification Sherloc (09022015). Collection method: clinical testing. Allele origin: germline.
Comment: This sequence change replaces cysteine, which is neutral and slightly polar, with phenylalanine, which is neutral and non-polar, at codon 580 of the C8B protein (p.Cys580Phe). This variant is present in population databases (rs139167053, gnomAD 0.02%). This variant has not been reported in the literature in individuals affected with C8B-related conditions. Algorithms developed to predict the effect of missense changes on protein structure and function are either unavailable or do not agree on the potential impact of this missense change (SIFT: "Deleterious"; PolyPhen-2: "Probably Damaging"; Align-GVGD: "Class C0"). In summary, the available evidence is currently insufficient to determine the role of this variant in disease. Therefore, it has been classified as a Variant of Uncertain Significance.

NM_000066.4(C8B):c.1739G>T (p.Cys580Phe)

Gene: C8B (complement C8 beta chain; minus strand). Cytogenetic location: 1p32.2.
Variant type: single nucleotide variant.
Coding change: c.1739G>T on transcript NM_000066.4 (MANE Select); coding-DNA position 1739, G replaced by T.
Protein change: p.Cys580Phe; replaces cysteine 580 with phenylalanine.
Molecular consequence: missense variant.
Genome position (GRCh38, 1-based): chr1:56,929,441, C>A on the plus strand (G>T on the coding strand, the complement: C8B is on the minus strand). VCF-style: chr1-56929441-C-A. GRCh37 (hg19) VCF-style: chr1-57395114-C-A.
Other names: c.1583G>T, p.Cys528Phe (NM_001278543.2); c.1553G>T, p.Cys518Phe (NM_001278544.2); c.1739G>T (NM_000066.2); short protein forms C528F, C518F, C580F.
Identifiers: ClinVar variation 1393333 (VCV001393333.7), dbSNP rs139167053, ClinGen allele CA875530.